The following is an entry in ClinVar:

ClinVar aggregate classification (germline): Uncertain significance (1 of 4 stars; one submission).

Submission:

GeneDx
Classification: Uncertain significance. Last evaluated: 2025-07-14. Review status: criteria provided, single submitter. Criteria: GeneDx Variant Classification Process June 2021. Collection method: clinical testing. Allele origin: germline. Affected: yes.
Comment: Not observed at significant frequency in large population cohorts (gnomAD); Nonsense variant predicted to result in protein truncation or nonsense mediated decay in a gene or region of a gene for which loss of function is not a well-established mechanism of disease; Has not been previously published as pathogenic or benign to our knowledge

NM_021072.4(HCN1):c.273C>A (p.Tyr91Ter)

Gene: HCN1 (hyperpolarization activated cyclic nucleotide gated potassium channel 1; minus strand). Cytogenetic location: 5p12.
Variant type: single nucleotide variant.
Coding change: c.273C>A on transcript NM_021072.4 (MANE Select); coding-DNA position 273, C replaced by A.
Protein change: p.Tyr91Ter; replaces tyrosine 91 with a stop codon.
Molecular consequence: nonsense.
Genome position (GRCh38, 1-based): chr5:45,695,821, G>T on the plus strand (C>A on the coding strand, the complement: HCN1 is on the minus strand). VCF-style: chr5-45695821-G-T. GRCh37 (hg19) VCF-style: chr5-45695923-G-T.
Other names: short protein forms Y91*.
Identifiers: ClinVar variation 1302238 (VCV001302238.3), dbSNP rs1170637860, ClinGen allele CA359706388.